The following is an entry in ClinVar:

NM_000037.4(ANK1):c.1025T>G (p.Leu342Arg)

Gene: ANK1 (ankyrin 1; minus strand). Cytogenetic location: 8p11.21.
Variant type: single nucleotide variant.
Coding change: c.1025T>G on transcript NM_000037.4 (MANE Select); coding-DNA position 1025, T replaced by G.
Protein change: p.Leu342Arg; replaces leucine 342 with arginine.
Molecular consequence: missense variant.
Genome position (GRCh38, 1-based): chr8:41,719,743, A>C on the plus strand (T>G on the coding strand, the complement: ANK1 is on the minus strand). VCF-style: chr8-41719743-A-C. GRCh37 (hg19) VCF-style: chr8-41577261-A-C.
Other names: c.1124T>G, p.Leu375Arg (NM_001142446.2); c.1025T>G, p.Leu342Arg (NM_020475.3, NM_020476.3, NM_020477.3); short protein forms L375R, L342R.
Identifiers: ClinVar variation 4739883 (VCV004739883.1).

ClinVar aggregate classification (germline): Uncertain significance (1 of 4 stars; one submission).

Submission:

Labcorp Genetics (formerly Invitae), Labcorp
Classification: Uncertain significance. Last evaluated: 2025-05-13. Review status: criteria provided, single submitter. Criteria: Invitae Variant Classification Sherloc (09022015). Collection method: clinical testing. Allele origin: germline.
Comment: This sequence change replaces leucine, which is neutral and non-polar, with arginine, which is basic and polar, at codon 342 of the ANK1 protein (p.Leu342Arg). This variant is not present in population databases (gnomAD no frequency). This variant has not been reported in the literature in individuals affected with ANK1-related conditions. Invitae Evidence Modeling of protein sequence and biophysical properties (such as structural, functional, and spatial information, amino acid conservation, physicochemical variation, residue mobility, and thermodynamic stability) has been performed for this missense variant. However, the output from this modeling did not meet the statistical confidence thresholds required to predict the impact of this variant on ANK1 protein function. In summary, the available evidence is currently insufficient to determine the role of this variant in disease. Therefore, it has been classified as a Variant of Uncertain Significance.